The following is an entry in ClinVar:

NM_001254.4(CDC6):c.705del (p.Ser235_Leu236insTer)

Gene: CDC6 (cell division cycle 6; plus strand). Cytogenetic location: 17q21.2.
Variant type: Deletion.
Coding change: c.705del on transcript NM_001254.4 (MANE Select); coding-DNA position 705, one base deleted (C; older notation c.705delC).
Protein change: p.Ser235_Leu236insTer.
Molecular consequence: frameshift variant.
Genome position (GRCh38, 1-based): chr17:40,293,500, C deleted; the last of 2 consecutive C bases (chr17:40,293,499-40,293,500); deleting either gives the same sequence. VCF-style (leftmost placement, unchanged base first): chr17-40293498-TC-T. GRCh37 (hg19) VCF-style: chr17-38449750-TC-T.
Identifiers: ClinVar variation 2759524 (VCV002759524.3), dbSNP rs2544137173, ClinGen allele CA2697559840.
Genomic context (GRCh38, chr17:40,293,498, plus strand): 5'-TTGCATTTTTTTTTCCAGAAGGAACTGAAAGGCTTTAAAACTATCATGCTGAATTGCATG[TC>T]CTTGAGGACTGCCCAGGCTGTATTCCCAGCTATTGCTCAGGAGATTTGTCAGGAAGAGGT-3'

ClinVar aggregate classification (germline): Uncertain significance (1 of 4 stars; one submission).

Submission:

Labcorp Genetics (formerly Invitae), Labcorp
Classification: Uncertain significance. Last evaluated: 2023-06-03. Review status: criteria provided, single submitter. Criteria: Invitae Variant Classification Sherloc (09022015). Collection method: clinical testing. Allele origin: germline.
Comment: In summary, the available evidence is currently insufficient to determine the role of this variant in disease. Therefore, it has been classified as a Variant of Uncertain Significance. This variant has not been reported in the literature in individuals affected with CDC6-related conditions. This variant is not present in population databases (gnomAD no frequency). This sequence change creates a premature translational stop signal (p.Leu236*) in the CDC6 gene. It is expected to result in an absent or disrupted protein product. However, the current clinical and genetic evidence is not sufficient to establish whether loss-of-function variants in CDC6 cause disease.